The following is an entry in ClinVar:

ClinVar aggregate classification (germline): Likely benign (0 of 4 stars; one submission).

Conditions:
CASTOR3-related condition.

gnomAD v4.1: 20 of 1,613,994 alleles (0.0012%); highest among the groups gnomAD compares: Middle Eastern, 0.033%; no homozygotes.

Submission:

PreventionGenetics, part of Exact Sciences
Classification: Likely benign for CASTOR3-related condition. Last evaluated: 2019-07-01. Review status: no assertion criteria provided. Collection method: clinical testing. Allele origin: germline.
Comment: This variant is classified as likely benign based on ACMG/AMP sequence variant interpretation guidelines (Richards et al. 2015 PMID: 25741868, with internal and published modifications).

NM_001282717.2(STAG3):c.2133-6C>G

Gene: STAG3 (STAG3 cohesin complex component; plus strand). Cytogenetic location: 7q22.1.
Variant type: single nucleotide variant.
Coding change: c.2133-6C>G on transcript NM_001282717.2 (MANE Select); 6 bases into the intron before coding-DNA position 2133, C replaced by G.
Molecular consequence: intron variant. On other transcripts: non-coding transcript variant (3).
Genome position (GRCh38, 1-based): chr7:100,201,258, C>G. VCF-style: chr7-100201258-C-G. GRCh37 (hg19) VCF-style: chr7-99798881-C-G.
Other names: NM_178831.6:c.*1394G>C; c.2133-6C>G (NM_001282716.1, NM_012447.4, NM_001375438.1); c.1959-6C>G (NM_001282718.2).
Identifiers: ClinVar variation 3351542 (VCV003351542.1).
Genomic context (GRCh38, chr7:100,201,258, plus strand): 5'-CTGGTGTCTGTGGAGTTGGTTCCCTCTGTTCTTTTCCAGTATAACATTCCCCTTTCTCCC[C>G]CAAAGCACTCATGACCTGACTCGCTGGGAGCTCTATGAGCCATGTTGCCAACTCCTGCAG-3'